The following is an entry in ClinVar:

NM_130837.3(OPA1):c.2441-98T>C

Gene: OPA1 (OPA1 mitochondrial dynamin like GTPase; plus strand). Cytogenetic location: 3q29.
Variant type: single nucleotide variant.
Coding change: c.2441-98T>C on transcript NM_130837.3 (MANE Select); 98 bases into the intron before coding-DNA position 2441, T replaced by C.
Molecular consequence: intron variant.
Genome position (GRCh38, 1-based): chr3:193,659,384, T>C. VCF-style: chr3-193659384-T-C. GRCh37 (hg19) VCF-style: chr3-193377173-T-C.
Other names: c.1904-98T>C (NM_001354664.2); c.1907-98T>C (NM_001354663.2); c.2330-98T>C (NM_130834.3); c.2387-98T>C (NM_130836.3); c.2276-98T>C (NM_015560.3); c.2333-98T>C (NM_130835.3); c.2222-98T>C (NM_130832.3); c.2279-98T>C (NM_130833.3); and 1 more.
Identifiers: ClinVar variation 673477 (VCV000673477.2), dbSNP rs34558265, ClinGen allele CA90551109.

ClinVar aggregate classification (germline): Benign. Review status: criteria provided, multiple submitters, no conflicts (2 of 4 stars). 2 submissions from 2 submitters: Benign (2). Last evaluated 2018-06-16.

Allele frequency attached by ClinVar (database versions not stated): 1000 Genomes Project 30x 0.07464; 1000 Genomes Project 0.07548; TOPMed 0.11224; gnomAD 0.11530 and 0.11790; gnomAD exomes 0.15057.
gnomAD v4.1: 150,612 of 1,035,706 alleles (15%); highest among the groups gnomAD compares: Non-Finnish European, 17%; 12,308 homozygotes.

Submissions (2):

GeneDx
Classification: Benign. Last evaluated: 2018-06-16. Review status: criteria provided, single submitter. Criteria: GeneDx Variant Classification (06012015). Collection method: clinical testing. Allele origin: germline. Affected: yes.
Comment: This variant is considered likely benign or benign based on one or more of the following criteria: it is a conservative change, it occurs at a poorly conserved position in the protein, it is predicted to be benign by multiple in silico algorithms, and/or has population frequency not consistent with disease.

Breakthrough Genomics
Classification: Benign. Review status: criteria provided, single submitter. Criteria: ACMG Guidelines, 2015. Collection method: not provided. Allele origin: germline. Inheritance: Autosomal recessive inheritance. Affected: yes.